The following is an entry in ClinVar:

ClinVar aggregate classification (germline): Uncertain significance (1 of 4 stars; one submission).

gnomAD v4.1: 2 of 1,614,122 alleles (0.00012%); highest among the groups gnomAD compares: Admixed American, 0.0017%; no homozygotes.

Submission:

Labcorp Genetics (formerly Invitae), Labcorp
Classification: Uncertain significance. Last evaluated: 2021-07-17. Review status: criteria provided, single submitter. Criteria: Invitae Variant Classification Sherloc (09022015). Collection method: clinical testing. Allele origin: germline.
Comment: This variant is not present in population databases (ExAC no frequency). In summary, the available evidence is currently insufficient to determine the role of this variant in disease. Therefore, it has been classified as a Variant of Uncertain Significance. Algorithms developed to predict the effect of missense changes on protein structure and function (SIFT, PolyPhen-2, Align-GVGD) all suggest that this variant is likely to be tolerated. This variant has not been reported in the literature in individuals affected with CEP55-related conditions. This sequence change replaces valine with leucine at codon 127 of the CEP55 protein (p.Val127Leu). The valine residue is moderately conserved and there is a small physicochemical difference between valine and leucine.

NM_018131.5(CEP55):c.379G>T (p.Val127Leu)

Gene: CEP55 (centrosomal protein 55; plus strand). Cytogenetic location: 10q23.33.
Variant type: single nucleotide variant.
Coding change: c.379G>T on transcript NM_018131.5 (MANE Select); coding-DNA position 379, G replaced by T.
Protein change: p.Val127Leu; replaces valine 127 with leucine.
Molecular consequence: missense variant.
Genome position (GRCh38, 1-based): chr10:93,503,308, G>T. VCF-style: chr10-93503308-G-T. GRCh37 (hg19) VCF-style: chr10-95263065-G-T.
Other names: c.379G>T, p.Val127Leu (NM_001127182.2); short protein forms V127L.
Identifiers: ClinVar variation 1495753 (VCV001495753.8), dbSNP rs199894468, ClinGen allele CA377599552.